The following is an entry in ClinVar:

NM_001166114.2(PNPLA6):c.1681G>A (p.Val561Met)

Gene: PNPLA6 (patatin like domain 6, lysophospholipase; plus strand). Cytogenetic location: 19p13.2.
Variant type: single nucleotide variant.
Coding change: c.1681G>A on transcript NM_001166114.2 (MANE Select); coding-DNA position 1681, G replaced by A.
Protein change: p.Val561Met; replaces valine 561 with methionine.
Molecular consequence: missense variant.
Genome position (GRCh38, 1-based): chr19:7,549,979, G>A. VCF-style: chr19-7549979-G-A. GRCh37 (hg19) VCF-style: chr19-7614865-G-A.
Other names: c.1708G>A, p.Val570Met (NM_001166111.2); c.1486G>A, p.Val496Met (NM_001166112.2); c.1564G>A, p.Val522Met (NM_001166113.1, NM_006702.5); short protein forms V496M, V570M, V522M, V561M.
Identifiers: ClinVar variation 1961585 (VCV001961585.6), dbSNP rs2146086589, ClinGen allele CA403119529.

ClinVar aggregate classification (germline): Uncertain significance. Review status: criteria provided, multiple submitters, no conflicts (2 of 4 stars). 2 submissions from 2 submitters: Uncertain significance (2). Last evaluated 2022-01-27.

Conditions:
Inborn genetic diseases. Identifiers: MedGen C0950123, MeSH D030342.
Hereditary spastic paraplegia 39 (SPG39). Also called: Spastic Paraplegia Type 39 (SPG39); SPASTIC PARAPLEGIA 39, AUTOSOMAL RECESSIVE. Identifiers: Orphanet 139480, MedGen C2677586, MONDO:0012787, OMIM 612020.

gnomAD v4.1: 1 of 1,613,972 alleles (0.000062%); no homozygotes.

Submissions (2):

Ambry Genetics
Classification: Uncertain significance for Inborn genetic diseases. Last evaluated: 2022-01-27. Review status: criteria provided, single submitter. Criteria: Ambry Variant Classification Scheme 2023. Collection method: clinical testing. Allele origin: germline.

Labcorp Genetics (formerly Invitae), Labcorp
Classification: Uncertain significance for Hereditary spastic paraplegia 39. Last evaluated: 2021-12-09. Review status: criteria provided, single submitter. Criteria: Invitae Variant Classification Sherloc (09022015). Collection method: clinical testing. Allele origin: germline.
Comment: This variant has not been reported in the literature in individuals affected with PNPLA6-related conditions. This variant is not present in population databases (gnomAD no frequency). This sequence change replaces valine, which is neutral and non-polar, with methionine, which is neutral and non-polar, at codon 522 of the PNPLA6 protein (p.Val522Met). In summary, the available evidence is currently insufficient to determine the role of this variant in disease. Therefore, it has been classified as a Variant of Uncertain Significance. Algorithms developed to predict the effect of missense changes on protein structure and function are either unavailable or do not agree on the potential impact of this missense change (SIFT: "Tolerated"; PolyPhen-2: "Possibly Damaging"; Align-GVGD: "Class C0").